The following is an entry in ClinVar:

ClinVar aggregate classification (germline): Uncertain significance (1 of 4 stars; one submission).

Conditions:
Cardiovascular phenotype. Identifiers: MedGen CN230736.

Submission:

Ambry Genetics
Classification: Uncertain significance for Cardiovascular phenotype. Last evaluated: 2025-10-01. Review status: criteria provided, single submitter. Criteria: Ambry Variant Classification Scheme 2023. Collection method: clinical testing. Allele origin: germline.
Comment: The p.T349R variant (also known as c.1046C>G), located in coding exon 2 of the MYPN gene, results from a C to G substitution at nucleotide position 1046. The threonine at codon 349 is replaced by arginine, an amino acid with similar properties. This amino acid position is conserved. In addition, this alteration is predicted to be deleterious by in silico analysis. Based on the available evidence, the clinical significance of this variant remains unclear.

NM_032578.4(MYPN):c.1046C>G (p.Thr349Arg)

Gene: MYPN (myopalladin; plus strand). Cytogenetic location: 10q21.3.
Variant type: single nucleotide variant.
Coding change: c.1046C>G on transcript NM_032578.4 (MANE Select); coding-DNA position 1046, C replaced by G.
Protein change: p.Thr349Arg; replaces threonine 349 with arginine.
Molecular consequence: missense variant. On other transcripts: non-coding transcript variant (2).
Genome position (GRCh38, 1-based): chr10:68,143,083, C>G. VCF-style: chr10-68143083-C-G. GRCh37 (hg19) VCF-style: chr10-69902840-C-G.
Other names: c.1046C>G, p.Thr349Arg (NM_001256267.2); c.164C>G, p.Thr55Arg (NM_001256268.2); short protein forms T349R, T55R.
Identifiers: ClinVar variation 4614666 (VCV004614666.1).